The following is an entry in ClinVar:

NM_004560.4(ROR2):c.1639C>A (p.Gln547Lys)

Gene: ROR2 (receptor tyrosine kinase like orphan receptor 2; minus strand). Cytogenetic location: 9q22.31.
Variant type: single nucleotide variant.
Coding change: c.1639C>A on transcript NM_004560.4 (MANE Select); coding-DNA position 1639, C replaced by A.
Protein change: p.Gln547Lys; replaces glutamine 547 with lysine.
Molecular consequence: missense variant.
Genome position (GRCh38, 1-based): chr9:91,724,855, G>T on the plus strand (C>A on the coding strand, the complement: ROR2 is on the minus strand). VCF-style: chr9-91724855-G-T. GRCh37 (hg19) VCF-style: chr9-94487137-G-T.
Other names: short protein forms Q547K.
Identifiers: ClinVar variation 1382727 (VCV001382727.9), dbSNP rs1489863862, ClinGen allele CA373797883.

ClinVar aggregate classification (germline): Uncertain significance. Review status: criteria provided, multiple submitters, no conflicts (2 of 4 stars). 2 submissions from 2 submitters: Uncertain significance (2). Last evaluated 2022-05-24.

Conditions:
Brachydactyly type B1 (BDB1). Identifiers: Orphanet 572385, Orphanet 93383, MedGen C1862112, MONDO:0007220, OMIM 113000.
Autosomal recessive Robinow syndrome (RRS1). Also called: ROR2-Related Robinow Syndrome; ROBINOW SYNDROME, AUTOSOMAL RECESSIVE 1; COSTOVERTEBRAL SEGMENTATION DEFECT WITH MESOMELIA; COVESDEM SYNDROME. Identifiers: Orphanet 1507, Orphanet 97360, MedGen C5399974, MONDO:0009999, OMIM 268310.

Allele frequency attached by ClinVar (database versions not stated): gnomAD 0.00001; gnomAD exomes 0.00001.
gnomAD v4.1: 18 of 1,601,936 alleles (0.0011%); highest among the groups gnomAD compares: Non-Finnish European, 0.0013%; no homozygotes.

Submissions (2):

Fulgent Genetics
Classification: Uncertain significance for Brachydactyly type B1; Autosomal recessive Robinow syndrome. Last evaluated: 2022-05-24. Review status: criteria provided, single submitter. Criteria: ACMG Guidelines, 2015. Collection method: clinical testing. Allele origin: unknown.

Labcorp Genetics (formerly Invitae), Labcorp
Classification: Uncertain significance. Last evaluated: 2021-05-20. Review status: criteria provided, single submitter. Criteria: Invitae Variant Classification Sherloc (09022015). Collection method: clinical testing. Allele origin: germline.
Comment: In summary, the available evidence is currently insufficient to determine the role of this variant in disease. Therefore, it has been classified as a Variant of Uncertain Significance. Advanced modeling of protein sequence and biophysical properties (such as structural, functional, and spatial information, amino acid conservation, physicochemical variation, residue mobility, and thermodynamic stability) performed at Invitae indicates that this missense variant is not expected to disrupt ROR2 protein function. This variant has not been reported in the literature in individuals with ROR2-related conditions. This variant is not present in population databases (ExAC no frequency). This sequence change replaces glutamine with lysine at codon 547 of the ROR2 protein (p.Gln547Lys). The glutamine residue is highly conserved and there is a small physicochemical difference between glutamine and lysine.